The following is an entry in ClinVar:

ClinVar aggregate classification (germline): Uncertain significance (1 of 4 stars; one submission).

Conditions:
Transcobalamin II deficiency (TCN2D). Also called: TC II DEFICIENCY; TCN2 DEFICIENCY; Transcolabamin II deficiency. Identifiers: Orphanet 859, MedGen C0342701, MONDO:0010149, OMIM 275350.

Allele frequency attached by ClinVar (database versions not stated): ExAC 0.00001; gnomAD 0.00001.
gnomAD v4.1: 5 of 1,614,046 alleles (0.00031%); highest among the groups gnomAD compares: African/African-American, 0.0013%; no homozygotes.

Submission:

Labcorp Genetics (formerly Invitae), Labcorp
Classification: Uncertain significance for Transcobalamin II deficiency. Last evaluated: 2022-06-27. Review status: criteria provided, single submitter. Criteria: Invitae Variant Classification Sherloc (09022015). Collection method: clinical testing. Allele origin: germline.
Comment: This sequence change replaces proline, which is neutral and non-polar, with threonine, which is neutral and polar, at codon 185 of the TCN2 protein (p.Pro185Thr). This variant is present in population databases (rs759922664, gnomAD 0.01%). This variant has not been reported in the literature in individuals affected with TCN2-related conditions. Algorithms developed to predict the effect of missense changes on protein structure and function (SIFT, PolyPhen-2, Align-GVGD) all suggest that this variant is likely to be tolerated. In summary, the available evidence is currently insufficient to determine the role of this variant in disease. Therefore, it has been classified as a Variant of Uncertain Significance.

NM_000355.4(TCN2):c.553C>A (p.Pro185Thr)

Gene: TCN2 (transcobalamin 2; plus strand). Cytogenetic location: 22q12.2.
Variant type: single nucleotide variant.
Coding change: c.553C>A on transcript NM_000355.4 (MANE Select); coding-DNA position 553, C replaced by A.
Protein change: p.Pro185Thr; replaces proline 185 with threonine.
Molecular consequence: missense variant.
Genome position (GRCh38, 1-based): chr22:30,614,474, C>A. VCF-style: chr22-30614474-C-A. GRCh37 (hg19) VCF-style: chr22-31010461-C-A.
Other names: c.472C>A, p.Pro158Thr (NM_001184726.2); short protein forms P158T, P185T.
Identifiers: ClinVar variation 1398249 (VCV001398249.3), dbSNP rs759922664, ClinGen allele CA10184698.